The following is an entry in ClinVar:

ClinVar aggregate classification (germline): Uncertain significance. Review status: criteria provided, multiple submitters, no conflicts (2 of 4 stars). 2 submissions from 2 submitters: Uncertain significance (2). Last evaluated 2025-03-05.

Conditions:
Hereditary cancer-predisposing syndrome. Also called: Neoplastic Syndromes, Hereditary; Tumor predisposition; Hereditary Cancer Syndrome; Hereditary neoplastic syndrome. Identifiers: Orphanet 140162, MedGen C0027672, MeSH D009386, MONDO:0015356.
Neuroblastoma, susceptibility to, 3. Also called: ALK-Related Neuroblastic Tumor Susceptibility. Identifiers: Orphanet 635, MedGen C2751681, MONDO:0013083, OMIM 613014.

Submissions (2):

Ambry Genetics
Classification: Uncertain significance for Hereditary cancer-predisposing syndrome. Last evaluated: 2025-03-05. Review status: criteria provided, single submitter. Criteria: Ambry Variant Classification Scheme 2023. Collection method: clinical testing. Allele origin: germline.
Comment: The p.D602H variant (also known as c.1804G>C), located in coding exon 9 of the ALK gene, results from a G to C substitution at nucleotide position 1804. The aspartic acid at codon 602 is replaced by histidine, an amino acid with similar properties. This amino acid position is conserved. In addition, this alteration is predicted to be tolerated by in silico analysis. Based on the available evidence, the clinical significance of this variant remains unclear.

Labcorp Genetics (formerly Invitae), Labcorp
Classification: Uncertain significance for Neuroblastoma, susceptibility to, 3. Last evaluated: 2024-08-07. Review status: criteria provided, single submitter. Criteria: Invitae Variant Classification Sherloc (09022015). Collection method: clinical testing. Allele origin: germline.
Comment: This sequence change replaces aspartic acid, which is acidic and polar, with histidine, which is basic and polar, at codon 602 of the ALK protein (p.Asp602His). This variant is not present in population databases (gnomAD no frequency). This variant has not been reported in the literature in individuals affected with ALK-related conditions. An algorithm developed to predict the effect of missense changes on protein structure and function (PolyPhen-2) suggests that this variant is likely to be disruptive. In summary, the available evidence is currently insufficient to determine the role of this variant in disease. Therefore, it has been classified as a Variant of Uncertain Significance.

NM_004304.5(ALK):c.1804G>C (p.Asp602His)

Gene: ALK (ALK receptor tyrosine kinase; minus strand). Cytogenetic location: 2p23.2.
Variant type: single nucleotide variant.
Coding change: c.1804G>C on transcript NM_004304.5 (MANE Select); coding-DNA position 1804, G replaced by C.
Protein change: p.Asp602His; replaces aspartic acid 602 with histidine.
Molecular consequence: missense variant.
Genome position (GRCh38, 1-based): chr2:29,296,901, C>G on the plus strand (G>C on the coding strand, the complement: ALK is on the minus strand). VCF-style: chr2-29296901-C-G. GRCh37 (hg19) VCF-style: chr2-29519767-C-G.
Other names: c.1804G>C (NM_004304.4); short protein forms D602H.
Identifiers: ClinVar variation 3615841 (VCV003615841.3).